The following is an entry in ClinVar:

ClinVar aggregate classification (germline): Uncertain significance (1 of 4 stars; one submission).

Submission:

Labcorp Genetics (formerly Invitae), Labcorp
Classification: Uncertain significance. Last evaluated: 2022-08-22. Review status: criteria provided, single submitter. Criteria: Invitae Variant Classification Sherloc (09022015). Collection method: clinical testing. Allele origin: germline.
Comment: Algorithms developed to predict the effect of missense changes on protein structure and function (SIFT, PolyPhen-2, Align-GVGD) all suggest that this variant is likely to be tolerated. In summary, the available evidence is currently insufficient to determine the role of this variant in disease. Therefore, it has been classified as a Variant of Uncertain Significance. This variant has not been reported in the literature in individuals affected with EIF2AK3-related conditions. This variant is not present in population databases (gnomAD no frequency). This sequence change replaces glutamic acid, which is acidic and polar, with alanine, which is neutral and non-polar, at codon 91 of the EIF2AK3 protein (p.Glu91Ala).

NM_004836.7(EIF2AK3):c.272A>C (p.Glu91Ala)

Gene: EIF2AK3 (eukaryotic translation initiation factor 2 alpha kinase 3; minus strand). Cytogenetic location: 2p11.2.
Variant type: single nucleotide variant.
Coding change: c.272A>C on transcript NM_004836.7 (MANE Select); coding-DNA position 272, A replaced by C.
Protein change: p.Glu91Ala; replaces glutamic acid 91 with alanine.
Molecular consequence: missense variant.
Genome position (GRCh38, 1-based): chr2:88,627,003, T>G on the plus strand (A>C on the coding strand, the complement: EIF2AK3 is on the minus strand). VCF-style: chr2-88627003-T-G. GRCh37 (hg19) VCF-style: chr2-88926521-T-G.
Other names: short protein forms E91A.
Identifiers: ClinVar variation 1975802 (VCV001975802.5), dbSNP rs774936605, ClinGen allele CA347763141.